The following is an entry in ClinVar:

ClinVar aggregate classification (germline): Uncertain significance (1 of 4 stars; one submission).

Allele frequency attached by ClinVar (database versions not stated): gnomAD exomes 0.00001.
gnomAD v4.1: 3 of 1,590,036 alleles (0.00019%); highest among the groups gnomAD compares: Non-Finnish European, 0.00026%; no homozygotes.

Submission:

GeneDx
Classification: Uncertain significance. Last evaluated: 2022-04-23. Review status: criteria provided, single submitter. Criteria: GeneDx Variant Classification Process June 2021. Collection method: clinical testing. Allele origin: germline. Affected: yes.
Comment: Not observed in large population cohorts (gnomAD); In silico analysis supports that this missense variant does not alter protein structure/function; Has not been previously published as pathogenic or benign to our knowledge

NM_000193.4(SHH):c.763A>C (p.Ile255Leu)

Gene: SHH (sonic hedgehog signaling molecule; minus strand). Cytogenetic location: 7q36.3.
Variant type: single nucleotide variant.
Coding change: c.763A>C on transcript NM_000193.4 (MANE Select); coding-DNA position 763, A replaced by C.
Protein change: p.Ile255Leu; replaces isoleucine 255 with leucine.
Molecular consequence: missense variant. On other transcripts: intron variant (1).
Genome position (GRCh38, 1-based): chr7:155,803,526, T>G on the plus strand (A>C on the coding strand, the complement: SHH is on the minus strand). VCF-style: chr7-155803526-T-G. GRCh37 (hg19) VCF-style: chr7-155596220-T-G.
Other names: c.301+2770A>C (NM_001310462.2); short protein forms I255L.
Identifiers: ClinVar variation 546566 (VCV000546566.5), dbSNP rs1554493839, ClinGen allele CA370146123.